The following is an entry in ClinVar:

NM_000267.3:c.195_196insAlu

Gene: NF1 (neurofibromin 1; plus strand). Cytogenetic location: 17q11.2.
Variant type: Insertion.
Identifiers: ClinVar variation 870257 (VCV000870257.1).

ClinVar aggregate classification (germline): Pathogenic (1 of 4 stars; one submission).

Conditions:
Neurofibromatosis, type 1 (NF1). Also called: VON RECKLINGHAUSEN DISEASE; NEUROFIBROMATOSIS, TYPE I, SOMATIC; Neurofibromatosis, type I; Peripheral type neurofibromatosis. Identifiers: Orphanet 636, MedGen C0027831, MONDO:0018975, OMIM 162200. Disease mechanism: loss of function.

Submission:

Labcorp Genetics (formerly Invitae), Labcorp
Classification: Pathogenic for Neurofibromatosis, type 1. Last evaluated: 2019-04-07. Review status: criteria provided, single submitter. Criteria: Invitae Variant Classification Sherloc (09022015). Collection method: clinical testing. Allele origin: germline.
Comment: This sequence change is an Alu-mediated insertion in exon 2 of the NF1 mRNA (c.195_196insAlu), causing a frameshift at codon 65 (p.Val65fs). The exact size and sequence of the insertion cannot be determined by the current assay. However, the insertion is expected to result in an absent or disrupted protein product. This variant is not present in population databases (ExAC no frequency). This variant has not been reported in the literature in individuals with NF1-related conditions. Retrotransposon insertions including LINE1 (L1), Alu, and SVA (SINE-VNTR-Alu) have been reported to be disease-causing through disruption of either a coding region or splice site (PMID: 19763152, 20307669, 22406018). Loss-of-function variants in NF1 are known to be pathogenic (PMID: 10712197, 23913538) and other Alu-mediated insertions in NF1 have been reported to be de novo in the literature (PMID: 1719426). For these reasons, this variant has been classified as Pathogenic.

Literature cited by the submitters: PubMed 19763152; PubMed 1719426; PubMed 20307669; PubMed 22406018.